The following is an entry in ClinVar:

NM_015909.4(NBAS):c.6535C>T (p.Leu2179Phe)

Gene: NBAS (NBAS subunit of NRZ tethering complex; minus strand). Cytogenetic location: 2p24.3.
Variant type: single nucleotide variant.
Coding change: c.6535C>T on transcript NM_015909.4 (MANE Select); coding-DNA position 6535, C replaced by T.
Protein change: p.Leu2179Phe; replaces leucine 2179 with phenylalanine.
Molecular consequence: missense variant. On other transcripts: non-coding transcript variant (1).
Genome position (GRCh38, 1-based): chr2:15,190,301, G>A on the plus strand (C>T on the coding strand, the complement: NBAS is on the minus strand). VCF-style: chr2-15190301-G-A. GRCh37 (hg19) VCF-style: chr2-15330425-G-A.
Other names: short protein forms L2179F.
Identifiers: ClinVar variation 2133710 (VCV002133710.4), dbSNP rs2528030561, ClinGen allele CA345919982.

ClinVar aggregate classification (germline): Uncertain significance (1 of 4 stars; one submission).

Submission:

Labcorp Genetics (formerly Invitae), Labcorp
Classification: Uncertain significance. Last evaluated: 2022-05-04. Review status: criteria provided, single submitter. Criteria: Invitae Variant Classification Sherloc (09022015). Collection method: clinical testing. Allele origin: germline.
Comment: This sequence change replaces leucine, which is neutral and non-polar, with phenylalanine, which is neutral and non-polar, at codon 2179 of the NBAS protein (p.Leu2179Phe). This variant is not present in population databases (gnomAD no frequency). This variant has not been reported in the literature in individuals affected with NBAS-related conditions. Algorithms developed to predict the effect of missense changes on protein structure and function are either unavailable or do not agree on the potential impact of this missense change (SIFT: "Deleterious"; PolyPhen-2: "Probably Damaging"; Align-GVGD: "Class C15"). In summary, the available evidence is currently insufficient to determine the role of this variant in disease. Therefore, it has been classified as a Variant of Uncertain Significance.